The following is an entry in ClinVar:

ClinVar aggregate classification (germline): Benign. Review status: criteria provided, multiple submitters, no conflicts (2 of 4 stars). 4 submissions from 4 submitters: Benign (4). Last evaluated 2026-09-01.

Conditions:
Autosomal recessive ataxia, Beauce type. Also called: ATAXIA, RECESSIVE, OF BEAUCE; SYNE1-Related Autosomal Recessive Cerebellar Ataxia; Spinocerebellar ataxia, autosomal recessive 8; SYNE1 Deficiency. Identifiers: Orphanet 88644, MedGen C1853116, MONDO:0012549, OMIM 610743.
Emery-Dreifuss muscular dystrophy 4, autosomal dominant (EDMD4). Also called: EMERY-DREIFUSS MUSCULAR DYSTROPHY 4 WITH VARIABLE FEATURES. Identifiers: Orphanet 261, MedGen C2751807, MONDO:0013071, OMIM 612998.

Allele frequency attached by ClinVar (database versions not stated): 1000 Genomes Project 0.00559; 1000 Genomes Project 30x 0.00593; gnomAD 0.00648 and 0.00659; ESP Exome Variant Server 0.00669; ExAC 0.00768; TOPMed 0.00813; gnomAD exomes 0.00822.
gnomAD v4.1: 10,974 of 1,613,292 alleles (0.68%); highest among the groups gnomAD compares: Middle Eastern, 2.9%; 88 homozygotes.

Submissions (4):

CeGaT Center for Human Genetics Tuebingen
Classification: Benign. Last evaluated: 2026-09-01. Review status: criteria provided, single submitter. Criteria: CeGaT Center For Human Genetics Tuebingen Variant Classification Criteria Version 2. Collection method: clinical testing. Allele origin: germline. Affected: yes. Observed: 40 variant alleles.
Comment: SYNE1: BS1, BS2

Labcorp Genetics (formerly Invitae), Labcorp
Classification: Benign for Emery-Dreifuss muscular dystrophy 4, autosomal dominant; Autosomal recessive ataxia, Beauce type. Last evaluated: 2026-01-27. Review status: criteria provided, single submitter. Criteria: Invitae Variant Classification Sherloc (09022015). Collection method: clinical testing. Allele origin: germline.

GeneDx
Classification: Benign. Last evaluated: 2016-09-06. Review status: criteria provided, single submitter. Criteria: GeneDx Variant Classification (06012015). Collection method: clinical testing. Allele origin: germline. Affected: yes.
Comment: This variant is considered likely benign or benign based on one or more of the following criteria: it is a conservative change, it occurs at a poorly conserved position in the protein, it is predicted to be benign by multiple in silico algorithms, and/or has population frequency not consistent with disease.

PreventionGenetics, part of Exact Sciences
Classification: Benign. Review status: criteria provided, single submitter. Criteria: ACMG Guidelines, 2015. Collection method: clinical testing. Allele origin: germline.

NM_182961.4(SYNE1):c.25120-16G>T

Gene: SYNE1 (spectrin repeat containing nuclear envelope protein 1; minus strand). Cytogenetic location: 6q25.2.
Variant type: single nucleotide variant.
Coding change: c.25120-16G>T on transcript NM_182961.4 (MANE Select); 16 bases into the intron before coding-DNA position 25120, G replaced by T.
Molecular consequence: intron variant.
Genome position (GRCh38, 1-based): chr6:152,141,345, C>A on the plus strand (G>T on the coding strand, the complement: SYNE1 is on the minus strand). VCF-style: chr6-152141345-C-A. GRCh37 (hg19) VCF-style: chr6-152462480-C-A.
Other names: c.24976-16G>T (NM_033071.5); c.1726-16G>T (NM_001347701.2); c.1654-16G>T (NM_001347702.2).
Identifiers: ClinVar variation 262192 (VCV000262192.39), dbSNP rs139671151, ClinGen allele CA4052926.
Genomic context (GRCh38, chr6:152,141,345, plus strand): 5'-CTTCACGGAGTCTATACTGCTACTGCATTCGCCCAGCAGTTTCATCTGTTTAGACATAAA[C>A]AACCGGCCCCTGTCACCCAAATCTTCATGAGTGCAAAAGCTTCCGGGGAAAATCTCTTTG-3'